The following is an entry in ClinVar:

ClinVar aggregate classification (germline): Likely benign (1 of 4 stars; one submission).

gnomAD v4.1: 3 of 1,612,346 alleles (0.00019%); highest among the groups gnomAD compares: African/African-American, 0.0013%; no homozygotes.

Submission:

CeGaT Center for Human Genetics Tuebingen
Classification: Likely benign. Last evaluated: 2026-07-01. Review status: criteria provided, single submitter. Criteria: CeGaT Center For Human Genetics Tuebingen Variant Classification Criteria Version 2. Collection method: clinical testing. Allele origin: germline. Affected: yes. Observed: 1 variant allele.
Comment: HCN2: BP4

NM_001194.4(HCN2):c.1584+3G>A

Gene: HCN2 (hyperpolarization activated cyclic nucleotide gated potassium and sodium channel 2; plus strand). Cytogenetic location: 19p13.3.
Variant type: single nucleotide variant.
Coding change: c.1584+3G>A on transcript NM_001194.4 (MANE Select); 3 bases into the intron after coding-DNA position 1584, G replaced by A.
Molecular consequence: intron variant.
Genome position (GRCh38, 1-based): chr19:610,408, G>A. VCF-style: chr19-610408-G-A. GRCh37 (hg19) VCF-style: chr19-610408-G-A.
Identifiers: ClinVar variation 5040273 (VCV005040273.1).